The following is an entry in ClinVar:

ClinVar aggregate classification (germline): Uncertain significance (1 of 4 stars; one submission).

gnomAD v4.1: 1 of 1,499,296 alleles (0.000067%); highest among the groups gnomAD compares: Non-Finnish European, 0.000089%; no homozygotes.

Submission:

Ambry Genetics
Classification: Uncertain significance. Last evaluated: 2023-10-02. Review status: criteria provided, single submitter. Criteria: Ambry Variant Classification Scheme 2023. Collection method: clinical testing. Allele origin: germline.
Comment: The p.F73S variant (also known as c.218T>C), located in coding exon 4 of the FAM175A gene, results from a T to C substitution at nucleotide position 218. The phenylalanine at codon 73 is replaced by serine, an amino acid with highly dissimilar properties. This amino acid position is conserved. In addition, this alteration is predicted to be deleterious by in silico analysis. Since supporting evidence is limited at this time, the clinical significance of this alteration remains unclear.

NM_139076.3(ABRAXAS1):c.218T>C (p.Phe73Ser)

Gene: ABRAXAS1 (abraxas 1, BRCA1 A complex subunit; minus strand). Cytogenetic location: 4q21.23.
Variant type: single nucleotide variant.
Coding change: c.218T>C on transcript NM_139076.3 (MANE Select); coding-DNA position 218, T replaced by C.
Protein change: p.Phe73Ser; replaces phenylalanine 73 with serine.
Molecular consequence: missense variant. On other transcripts: intron variant (1).
Genome position (GRCh38, 1-based): chr4:83,472,286, A>G on the plus strand (T>C on the coding strand, the complement: ABRAXAS1 is on the minus strand). VCF-style: chr4-83472286-A-G. GRCh37 (hg19) VCF-style: chr4-84393439-A-G.
Other names: c.-45-1890T>C (NM_001345962.2); short protein forms F73S.
Identifiers: ClinVar variation 3229143 (VCV003229143.1), dbSNP rs2529443264, ClinGen allele CA357261162.